The following is an entry in ClinVar:

NM_001130987.2(DYSF):c.1276+172A>G

Gene: DYSF (dysferlin; plus strand). Cytogenetic location: 2p13.2.
Variant type: single nucleotide variant.
Coding change: c.1276+172A>G on transcript NM_001130987.2 (MANE Select); 172 bases into the intron after coding-DNA position 1276, A replaced by G.
Molecular consequence: intron variant.
Genome position (GRCh38, 1-based): chr2:71,526,518, A>G. VCF-style: chr2-71526518-A-G. GRCh37 (hg19) VCF-style: chr2-71753648-A-G.
Other names: c.1273+172A>G (NM_001130979.2, NM_001130981.2, NM_001130980.2); c.1180+172A>G (NM_001130978.2, NM_003494.4, NM_001130977.2 and 1 more transcripts); c.1276+172A>G (NM_001130982.2, NM_001130985.2); c.1183+172A>G (NM_001130983.2, NM_001130455.2, NM_001130984.2 and 1 more transcripts).
Identifiers: ClinVar variation 681744 (VCV000681744.1), dbSNP rs116505531, ClinGen allele CA49771817.

ClinVar aggregate classification (germline): Likely benign (1 of 4 stars; one submission).

Allele frequency attached by ClinVar (database versions not stated): 1000 Genomes Project 0.01897; 1000 Genomes Project 30x 0.01968; TOPMed 0.02036; gnomAD 0.02131 and 0.02177.
gnomAD v4.1: 3,241 of 152,376 alleles (2.1%); highest among the groups gnomAD compares: Admixed American, 2.4%; 47 homozygotes.

Submission:

GeneDx
Classification: Likely benign. Last evaluated: 2018-06-16. Review status: criteria provided, single submitter. Criteria: GeneDx Variant Classification (06012015). Collection method: clinical testing. Allele origin: germline. Affected: yes.
Comment: This variant is considered likely benign or benign based on one or more of the following criteria: it is a conservative change, it occurs at a poorly conserved position in the protein, it is predicted to be benign by multiple in silico algorithms, and/or has population frequency not consistent with disease.